The following is an entry in ClinVar:

ClinVar aggregate classification (germline): Uncertain significance (1 of 4 stars; one submission).

Conditions:
Hyperekplexia 3 (HKPX3). Also called: HYPEREKPLEXIA 3, AUTOSOMAL RECESSIVE; HYPEREKPLEXIA 3, AUTOSOMAL DOMINANT. Identifiers: Orphanet 3197, MedGen C3553288, MONDO:0013827, OMIM 614618.

Allele frequency attached by ClinVar (database versions not stated): TOPMed 0.00001.

Submission:

Labcorp Genetics (formerly Invitae), Labcorp
Classification: Uncertain significance for Hyperekplexia 3. Last evaluated: 2022-08-09. Review status: criteria provided, single submitter. Criteria: Invitae Variant Classification Sherloc (09022015). Collection method: clinical testing. Allele origin: germline.
Comment: This sequence change replaces methionine, which is neutral and non-polar, with arginine, which is basic and polar, at codon 667 of the SLC6A5 protein (p.Met667Arg). This variant is not present in population databases (gnomAD no frequency). This variant has not been reported in the literature in individuals affected with SLC6A5-related conditions. Advanced modeling of protein sequence and biophysical properties (such as structural, functional, and spatial information, amino acid conservation, physicochemical variation, residue mobility, and thermodynamic stability) performed at Invitae indicates that this missense variant is not expected to disrupt SLC6A5 protein function. In summary, the available evidence is currently insufficient to determine the role of this variant in disease. Therefore, it has been classified as a Variant of Uncertain Significance.

NM_004211.5(SLC6A5):c.2000T>G (p.Met667Arg)

Gene: SLC6A5 (solute carrier family 6 member 5; plus strand). Cytogenetic location: 11p15.1.
Variant type: single nucleotide variant.
Coding change: c.2000T>G on transcript NM_004211.5 (MANE Select); coding-DNA position 2000, T replaced by G.
Protein change: p.Met667Arg; replaces methionine 667 with arginine.
Molecular consequence: missense variant.
Genome position (GRCh38, 1-based): chr11:20,646,864, T>G. VCF-style: chr11-20646864-T-G. GRCh37 (hg19) VCF-style: chr11-20668410-T-G.
Other names: c.1298T>G, p.Met433Arg (NM_001318369.2); short protein forms M667R, M433R.
Identifiers: ClinVar variation 1903338 (VCV001903338.2), dbSNP rs1853425575, ClinGen allele CA379919408.
Genomic context (GRCh38, chr11:20,646,864, plus strand): 5'-TATACCTGTTCTCTGCTTGTCTATTTGCAGGCTTGCAAAGATTCTGTGAAGATATAGAGA[T>G]GATGATTGGATTCCAGCCTAACATCTTCTGGAAAGTCTGCTGGGCATTTGTAACCCCAAC-3'
Protein context (NP_004202.4, residues 657-677): GLQRFCEDIE[Met667Arg]MIGFQPNIFW